The following is an entry in ClinVar:

ClinVar aggregate classification (germline): Uncertain significance (1 of 4 stars; one submission).

Conditions:
Cystinuria (CSNU). Also called: Cystinuria, non-type I; CYSTINURIA, TYPE I; CYSTINURIA, TYPE II; CYSTINURIA, TYPE III. Identifiers: Orphanet 214, MedGen C0010691, MONDO:0009067, OMIM 220100, HP:0003131.

Submission:

Labcorp Genetics (formerly Invitae), Labcorp
Classification: Uncertain significance for Cystinuria. Last evaluated: 2022-03-10. Review status: criteria provided, single submitter. Criteria: Invitae Variant Classification Sherloc (09022015). Collection method: clinical testing. Allele origin: germline.
Comment: In summary, the available evidence is currently insufficient to determine the role of this variant in disease. Therefore, it has been classified as a Variant of Uncertain Significance. Algorithms developed to predict the effect of missense changes on protein structure and function output the following: SIFT: "Tolerated"; PolyPhen-2: "Benign"; Align-GVGD: "Class C0". The asparagine amino acid residue is found in multiple mammalian species, which suggests that this missense change does not adversely affect protein function. This variant has not been reported in the literature in individuals affected with SLC3A1-related conditions. This variant is present in population databases (no rsID available, gnomAD 0.003%). This sequence change replaces serine, which is neutral and polar, with asparagine, which is neutral and polar, at codon 389 of the SLC3A1 protein (p.Ser389Asn).

NM_000341.4(SLC3A1):c.1166G>A (p.Ser389Asn)

Gene: SLC3A1 (solute carrier family 3 member 1; plus strand). Cytogenetic location: 2p21.
Variant type: single nucleotide variant.
Coding change: c.1166G>A on transcript NM_000341.4 (MANE Select); coding-DNA position 1166, G replaced by A.
Protein change: p.Ser389Asn; replaces serine 389 with asparagine.
Molecular consequence: missense variant.
Genome position (GRCh38, 1-based): chr2:44,304,172, G>A. VCF-style: chr2-44304172-G-A. GRCh37 (hg19) VCF-style: chr2-44531311-G-A.
Other names: short protein forms S389N.
Identifiers: ClinVar variation 2191071 (VCV002191071.4), dbSNP rs751489590, ClinGen allele CA346682360.